The following is an entry in ClinVar:

NM_000350.3(ABCA4):c.1244A>G (p.Asn415Ser)

Gene: ABCA4 (ATP binding cassette subfamily A member 4; minus strand). Cytogenetic location: 1p22.1.
Variant type: single nucleotide variant.
Coding change: c.1244A>G on transcript NM_000350.3 (MANE Select); coding-DNA position 1244, A replaced by G.
Protein change: p.Asn415Ser; replaces asparagine 415 with serine.
Molecular consequence: missense variant.
Genome position (GRCh38, 1-based): chr1:94,078,702, T>C on the plus strand (A>G on the coding strand, the complement: ABCA4 is on the minus strand). VCF-style: chr1-94078702-T-C. GRCh37 (hg19) VCF-style: chr1-94544258-T-C.
Other names: c.1244A>G, p.Asn415Ser (NM_001425324.1); short protein forms N415S.
Identifiers: ClinVar variation 3718573 (VCV003718573.2).

ClinVar aggregate classification (germline): Pathogenic (1 of 4 stars; one submission).

Submission:

Labcorp Genetics (formerly Invitae), Labcorp
Classification: Pathogenic. Last evaluated: 2025-05-27. Review status: criteria provided, single submitter. Criteria: Invitae Variant Classification Sherloc (09022015). Collection method: clinical testing. Allele origin: germline.
Comment: This sequence change replaces asparagine, which is neutral and polar, with serine, which is neutral and polar, at codon 415 of the ABCA4 protein (p.Asn415Ser). This variant is not present in population databases (gnomAD no frequency). This missense change has been observed in individual(s) with Stargardt disease (PMID: 31212395; internal data). In at least one individual the data is consistent with being in trans (on the opposite chromosome) from a pathogenic variant. ClinVar contains an entry for this variant (Variation ID: 3718573). Invitae Evidence Modeling of protein sequence and biophysical properties (such as structural, functional, and spatial information, amino acid conservation, physicochemical variation, residue mobility, and thermodynamic stability) indicates that this missense variant is expected to disrupt ABCA4 protein function with a positive predictive value of 95%. For these reasons, this variant has been classified as Pathogenic.

Literature cited by the submitters: PubMed 31212395.